The following is an entry in ClinVar:

NM_207352.4(CYP4V2):c.124C>G (p.Arg42Gly)

Gene: CYP4V2 (cytochrome P450 family 4 subfamily V member 2; plus strand). Cytogenetic location: 4q35.1.
Variant type: single nucleotide variant.
Coding change: c.124C>G on transcript NM_207352.4 (MANE Select); coding-DNA position 124, C replaced by G.
Protein change: p.Arg42Gly; replaces arginine 42 with glycine.
Molecular consequence: missense variant.
Genome position (GRCh38, 1-based): chr4:186,191,947, C>G. VCF-style: chr4-186191947-C-G. GRCh37 (hg19) VCF-style: chr4-187113101-C-G.
Other names: short protein forms R42G.
Identifiers: ClinVar variation 1716112 (VCV001716112.5), dbSNP rs901460992, ClinGen allele CA358946598.

ClinVar aggregate classification (germline): Uncertain significance (1 of 4 stars; one submission).

Allele frequency attached by ClinVar (database versions not stated): gnomAD exomes below 0.00001.
gnomAD v4.1: 1 of 1,590,498 alleles (0.000063%); highest among the groups gnomAD compares: Non-Finnish European, 0.000085%; no homozygotes.

Submission:

Labcorp Genetics (formerly Invitae), Labcorp
Classification: Uncertain significance. Last evaluated: 2022-08-11. Review status: criteria provided, single submitter. Criteria: Invitae Variant Classification Sherloc (09022015). Collection method: clinical testing. Allele origin: germline.
Comment: In summary, the available evidence is currently insufficient to determine the role of this variant in disease. Therefore, it has been classified as a Variant of Uncertain Significance. This sequence change replaces arginine, which is basic and polar, with glycine, which is neutral and non-polar, at codon 42 of the CYP4V2 protein (p.Arg42Gly). This variant is not present in population databases (gnomAD no frequency). This variant has not been reported in the literature in individuals affected with CYP4V2-related conditions. Advanced modeling of protein sequence and biophysical properties (such as structural, functional, and spatial information, amino acid conservation, physicochemical variation, residue mobility, and thermodynamic stability) performed at Invitae indicates that this missense variant is expected to disrupt CYP4V2 protein function.